The following is an entry in ClinVar:

NM_019098.5(CNGB3):c.1405del (p.Tyr469fs)

Gene: CNGB3 (cyclic nucleotide gated channel subunit beta 3; minus strand). Cytogenetic location: 8q21.3.
Variant type: Deletion.
Coding change: c.1405del on transcript NM_019098.5 (MANE Select); coding-DNA position 1405, one base deleted (T; older notation c.1405delT).
Protein change: p.Tyr469fs; shifts the reading frame from tyrosine 469.
Molecular consequence: frameshift variant.
Genome position (GRCh38, 1-based): chr8:86,628,994, A deleted on the plus strand (T on the coding strand, the reverse complement: CNGB3 is on the minus strand); the first of 2 consecutive A bases (chr8:86,628,994-86,628,995); deleting either gives the same sequence. VCF-style (leftmost placement, unchanged base first): chr8-86628993-TA-T. GRCh37 (hg19) VCF-style: chr8-87641221-TA-T.
Other names: short protein forms Y469fs.
Identifiers: ClinVar variation 1724456 (VCV001724456.2), dbSNP rs2538082676, ClinGen allele CA2580078971.

ClinVar aggregate classification (germline): Likely pathogenic (1 of 4 stars; one submission).

Conditions:
Achromatopsia 3 (ACHM3). Also called: TOTAL COLORBLINDNESS WITH MYOPIA; ROD MONOCHROMACY 1; ROD MONOCHROMATISM 1; PINGELAPESE BLINDNESS; ACHROMATOPSIA WITH MYOPIA. Identifiers: Orphanet 49382, MedGen C1849792, MONDO:0009875, OMIM 262300.

Submission:

Myriad Genetics, Inc.
Classification: Likely pathogenic for Achromatopsia 3. Last evaluated: 2022-02-17. Review status: criteria provided, single submitter. Criteria: Myriad Women's Health Autosomal Recessive and X-Linked Classification Criteria (2021). Collection method: clinical testing. Allele origin: unknown.
Comment: NM_019098.4(CNGB3):c.1405delT(Y469Tfs*25) is expected to be pathogenic in the context of CNGB3-related achromatopsia. This variant is predicted to lead to an abnormal or absent protein product due to the creation of a premature termination codon in CNGB3, a gene where loss-of-function variants are known to be pathogenic. Please note: this variant was assessed in the context of healthy population screening.